The following is an entry in ClinVar:

NM_000428.3(LTBP2):c.-3_24del (p.Met1_Arg8del)

Gene: LTBP2 (latent transforming growth factor beta binding protein 2; minus strand). Cytogenetic location: 14q24.3.
Variant type: Deletion.
Coding change: c.-3_24del on transcript NM_000428.3 (MANE Select); 3 bases upstream of the start codon through coding-DNA position 24, 27 bases deleted (GCCATGAGGCCGCGGACCAAAGCCCGC).
Protein change: p.Met1_Arg8del.
Molecular consequence: inframe deletion, initiator codon variant.
Genome position (GRCh38, 1-based): chr14:74,611,921-74,611,947, GCGGGCTTTGGTCCGCGGCCTCATGGC deleted on the plus strand (GCCATGAGGCCGCGGACCAAAGCCCGC on the coding strand, the reverse complement: LTBP2 is on the minus strand); deleting any 27 consecutive bases within chr14:74,611,921-74,611,952 gives the same sequence; the c. name uses the placement nearest the transcript's 3' end. VCF-style (leftmost placement, unchanged base first): chr14-74611920-TGCGGGCTTTGGTCCGCGGCCTCATGGC-T. GRCh37 (hg19) VCF-style: chr14-75078623-TGCGGGCTTTGGTCCGCGGCCTCATGGC-T.
Identifiers: ClinVar variation 1447016 (VCV001447016.8), dbSNP rs2139816282, ClinGen allele CA2573150141.
Genomic context (GRCh38, chr14:74,611,920, plus strand): 5'-AGAGAGCCAGGGTGAGCGGCAGGAAGCCTCTCCAGGGGTTCCGCAGGGCGCGCCCCGGGC[TGCGGGCTTTGGTCCGCGGCCTCATGGC>T]GCGGGGCGGCTGGAGAGTGGTGCGCGCGGGCACCGCGAAGAGCTTTGTGGTCGGCACGCT-3'

ClinVar aggregate classification (germline): Uncertain significance (1 of 4 stars; one submission).

Submission:

Labcorp Genetics (formerly Invitae), Labcorp
Classification: Uncertain significance. Last evaluated: 2021-05-20. Review status: criteria provided, single submitter. Criteria: Invitae Variant Classification Sherloc (09022015). Collection method: clinical testing. Allele origin: germline.
Comment: This sequence change affects the initiator methionine of the LTBP2 mRNA. The next in-frame methionine is located at codon 653. This variant is not present in population databases (ExAC no frequency). This variant has not been reported in the literature in individuals with LTBP2-related conditions. Experimental studies and prediction algorithms are not available or were not evaluated, and the functional significance of this variant is currently unknown. In summary, the available evidence is currently insufficient to determine the role of this variant in disease. Therefore, it has been classified as a Variant of Uncertain Significance.